The following is an entry in ClinVar:

ClinVar aggregate classification (germline): Uncertain significance (1 of 4 stars; one submission).

Conditions:
Cardiovascular phenotype. Identifiers: MedGen CN230736.

Submission:

Ambry Genetics
Classification: Uncertain significance for Cardiovascular phenotype. Last evaluated: 2022-09-12. Review status: criteria provided, single submitter. Criteria: Ambry Variant Classification Scheme 2023. Collection method: clinical testing. Allele origin: germline.
Comment: The c.911-3C>T intronic variant results from a C to T substitution 3 nucleotides upstream from coding exon 4 in the ALPK3 gene. This nucleotide position is not well conserved in available vertebrate species. In silico splice site analysis predicts that this alteration will not have any significant effect on splicing. Since supporting evidence is limited at this time, the clinical significance of this alteration remains unclear.

NM_020778.5(ALPK3):c.305-3C>T

Gene: ALPK3 (alpha kinase 3; plus strand). Cytogenetic location: 15q25.3.
Variant type: single nucleotide variant.
Coding change: c.305-3C>T on transcript NM_020778.5 (MANE Select); 3 bases into the intron before coding-DNA position 305, C replaced by T.
Molecular consequence: intron variant.
Genome position (GRCh38, 1-based): chr15:84,838,977, C>T. VCF-style: chr15-84838977-C-T. GRCh37 (hg19) VCF-style: chr15-85382208-C-T.
Identifiers: ClinVar variation 1765852 (VCV001765852.2), dbSNP rs2505703832, ClinGen allele CA2575820436.